The following is an entry in ClinVar:

ClinVar aggregate classification (germline): Pathogenic. Review status: criteria provided, multiple submitters, no conflicts (2 of 4 stars). 2 submissions from 2 submitters: Pathogenic (2). Last evaluated 2026-06-29.

Conditions:
Familial aortopathy. Identifiers: MedGen CN078214.
Familial thoracic aortic aneurysm and aortic dissection (TAAD). Also called: Thoracic aortic aneurysms and dissections. Identifiers: Orphanet 91387, MedGen C4707243, MONDO:0019625.

Submissions (2):

Women's Health and Genetics/Laboratory Corporation of America, LabCorp
Classification: Pathogenic for Familial aortopathy. Last evaluated: 2026-06-29. Review status: criteria provided, single submitter. Criteria: LabCorp Variant Classification Summary - May 2015. Collection method: clinical testing. Allele origin: germline.
Comment: Variant summary: MYLK c.4091_4092delAG (p.Gln1364LeufsX33) results in a premature termination codon, predicted to cause a truncation of the encoded protein or absence of the protein due to nonsense mediated decay, which are commonly known mechanisms for disease. The variant was absent in 251396 control chromosomes. To our knowledge, no occurrence of c.4091_4092delAG in individuals affected with MYLK-related conditions and no experimental evidence demonstrating its impact on protein function have been reported. ClinVar contains an entry for this variant (Variation ID: 3401141). Based on the evidence outlined above, the variant was classified as pathogenic.

Ambry Genetics
Classification: Pathogenic for Familial thoracic aortic aneurysm and aortic dissection. Last evaluated: 2024-11-15. Review status: criteria provided, single submitter. Criteria: Ambry Variant Classification Scheme 2023. Collection method: clinical testing. Allele origin: germline.
Comment: The c.4091_4092delAG (p.Q1364Lfs*33) alteration, located in exon 24 (coding exon 21) of the MYLK gene, consists of a deletion of 2 nucleotides from position 4091 to 4092, causing a translational frameshift with a predicted alternate stop codon after 33 amino acids. This alteration is expected to result in loss of function by premature protein truncation or nonsense-mediated mRNA decay. This variant was not reported in population-based cohorts in the Genome Aggregation Database (gnomAD). Based on the available evidence, this alteration is classified as pathogenic.

NM_053025.4(MYLK):c.4091_4092del (p.Gln1364fs)

Gene: MYLK (myosin light chain kinase; minus strand). Cytogenetic location: 3q21.1.
Variant type: Deletion.
Coding change: c.4091_4092del on transcript NM_053025.4 (MANE Select); coding-DNA positions 4091 to 4092, 2 bases deleted (AG; older notation c.4091_4092delAG).
Protein change: p.Gln1364fs; shifts the reading frame from glutamine 1364.
Molecular consequence: frameshift variant.
Genome position (GRCh38, 1-based): chr3:123,657,322-123,657,323, CT deleted on the plus strand (AG on the coding strand, the reverse complement: MYLK is on the minus strand). VCF-style (leftmost placement, unchanged base first): chr3-123657321-ACT-A. GRCh37 (hg19) VCF-style: chr3-123376168-ACT-A.
Other names: c.4091_4092delAG (NM_053025.4); c.3563_3564del, p.Gln1188fs (NM_001321309.2); c.3884_3885del, p.Gln1295fs (NM_053026.4, NM_053028.4); c.4091_4092del, p.Gln1364fs (NM_053027.4); short protein forms Q1364fs, Q1188fs, Q1295fs.
Identifiers: ClinVar variation 3401141 (VCV003401141.2).